The following is an entry in ClinVar:

ClinVar aggregate classification (germline): Uncertain significance. Review status: criteria provided, multiple submitters, no conflicts (2 of 4 stars). 3 submissions from 3 submitters: Uncertain significance (3). Last evaluated 2024-02-02.

Allele frequency attached by ClinVar (database versions not stated): gnomAD exomes below 0.00001; gnomAD 0.00001; TOPMed 0.00001.
gnomAD v4.1: 5 of 1,611,674 alleles (0.00031%); highest among the groups gnomAD compares: Non-Finnish European, 0.00042%; no homozygotes.

Submissions (3):

Labcorp Genetics (formerly Invitae), Labcorp
Classification: Uncertain significance. Last evaluated: 2024-02-02. Review status: criteria provided, single submitter. Criteria: Invitae Variant Classification Sherloc (09022015). Collection method: clinical testing. Allele origin: germline.
Comment: This sequence change replaces serine, which is neutral and polar, with phenylalanine, which is neutral and non-polar, at codon 1237 of the A2ML1 protein (p.Ser1237Phe). This variant is present in population databases (no rsID available, gnomAD 0.0009%). This variant has not been reported in the literature in individuals affected with A2ML1-related conditions. ClinVar contains an entry for this variant (Variation ID: 839605). An algorithm developed to predict the effect of missense changes on protein structure and function (PolyPhen-2) suggests that this variant is likely to be disruptive. In summary, the available evidence is currently insufficient to determine the role of this variant in disease. Therefore, it has been classified as a Variant of Uncertain Significance.

Ambry Genetics
Classification: Uncertain significance. Last evaluated: 2023-07-14. Review status: criteria provided, single submitter. Criteria: Ambry Variant Classification Scheme 2023. Collection method: clinical testing. Allele origin: germline.
Comment: The p.S1237F variant (also known as c.3710C>T), located in coding exon 29 of the A2ML1 gene, results from a C to T substitution at nucleotide position 3710. The serine at codon 1237 is replaced by phenylalanine, an amino acid with highly dissimilar properties. This amino acid position is conserved. In addition, this alteration is predicted to be deleterious by in silico analysis. Since supporting evidence is limited at this time, the clinical significance of this alteration remains unclear.

Revvity Omics, Revvity
Classification: Uncertain significance. Last evaluated: 2019-10-08. Review status: criteria provided, single submitter. Criteria: ACMG Guidelines, 2015. Collection method: clinical testing. Allele origin: germline.

NM_144670.6(A2ML1):c.3710C>T (p.Ser1237Phe)

Gene: A2ML1 (alpha-2-macroglobulin like 1; plus strand). Cytogenetic location: 12p13.31.
Variant type: single nucleotide variant.
Coding change: c.3710C>T on transcript NM_144670.6 (MANE Select); coding-DNA position 3710, C replaced by T.
Protein change: p.Ser1237Phe; replaces serine 1237 with phenylalanine.
Molecular consequence: missense variant.
Genome position (GRCh38, 1-based): chr12:8,864,001, C>T. VCF-style: chr12-8864001-C-T. GRCh37 (hg19) VCF-style: chr12-9016597-C-T.
Other names: c.2237C>T, p.Ser746Phe (NM_001282424.3); c.3710C>T (NM_144670.3); short protein forms S1237F, S746F.
Identifiers: ClinVar variation 839605 (VCV000839605.13), dbSNP rs1181948169, ClinGen allele CA383843646.